The following is an entry in ClinVar:

NM_001113491.2(SEPTIN9):c.1465G>A (p.Glu489Lys)

Gene: SEPTIN9 (septin 9; plus strand). Cytogenetic location: 17q25.3.
Variant type: single nucleotide variant.
Coding change: c.1465G>A on transcript NM_001113491.2 (MANE Select); coding-DNA position 1465, G replaced by A.
Protein change: p.Glu489Lys; replaces glutamic acid 489 with lysine.
Molecular consequence: missense variant.
Genome position (GRCh38, 1-based): chr17:77,492,705, G>A. VCF-style: chr17-77492705-G-A. GRCh37 (hg19) VCF-style: chr17-75488787-G-A.
Other names: c.712G>A, p.Glu238Lys (NM_001293697.2, NM_001293698.2, NM_001113495.2 and 1 more transcripts); c.1411G>A, p.Glu471Lys (NM_006640.5); c.973G>A, p.Glu325Lys (NM_001113492.2, NM_001113494.1); c.1444G>A, p.Glu482Lys (NM_001113493.2); c.1408G>A, p.Glu470Lys (NM_001293695.2); c.793G>A, p.Glu265Lys (NM_001293696.2); short protein forms E489K, E238K, E265K, E482K, E325K, E470K, E471K.
Identifiers: ClinVar variation 891337 (VCV000891337.7), dbSNP rs770758927, ClinGen allele CA8793804.

ClinVar aggregate classification (germline): Uncertain significance. Review status: criteria provided, multiple submitters, no conflicts (2 of 4 stars). 2 submissions from 2 submitters: Uncertain significance (2). Last evaluated 2023-08-17.

Conditions:
Amyotrophic neuralgia (HNA). Also called: Hereditary Brachial Plexus Neuropathy; Neuritis with Brachial Predilection; AMYOTROPHY, HEREDITARY NEURALGIC, WITH PREDILECTION FOR BRACHIAL PLEXUS; AMYOTROPHY, HEREDITARY NEURALGIC. Identifiers: Orphanet 2901, MedGen C1834304, MONDO:0008076, OMIM 162100.

Allele frequency attached by ClinVar (database versions not stated): gnomAD exomes below 0.00001 and 0.00001; ExAC 0.00001; TOPMed 0.00002; gnomAD 0.00004.
gnomAD v4.1: 23 of 1,613,848 alleles (0.0014%); highest among the groups gnomAD compares: Middle Eastern, 0.099%; no homozygotes.

Submissions (2):

Labcorp Genetics (formerly Invitae), Labcorp
Classification: Uncertain significance. Last evaluated: 2023-08-17. Review status: criteria provided, single submitter. Criteria: Invitae Variant Classification Sherloc (09022015). Collection method: clinical testing. Allele origin: germline.
Comment: In summary, the available evidence is currently insufficient to determine the role of this variant in disease. Therefore, it has been classified as a Variant of Uncertain Significance. Advanced modeling of protein sequence and biophysical properties (such as structural, functional, and spatial information, amino acid conservation, physicochemical variation, residue mobility, and thermodynamic stability) performed at Invitae indicates that this missense variant is not expected to disrupt SEPT9 protein function. ClinVar contains an entry for this variant (Variation ID: 891337). This variant has not been reported in the literature in individuals affected with SEPT9-related conditions. This variant is present in population databases (rs770758927, gnomAD 0.0009%). This sequence change replaces glutamic acid, which is acidic and polar, with lysine, which is basic and polar, at codon 471 of the SEPT9 protein (p.Glu471Lys).

Illumina Laboratory Services, Illumina
Classification: Uncertain significance for Amyotrophy, hereditary neuralgic. Last evaluated: 2018-01-13. Review status: criteria provided, single submitter. Criteria: ICSL Variant Classification Criteria 13 December 2019. Collection method: clinical testing. Allele origin: germline.